The following is an entry in ClinVar:

NM_000054.7(AVPR2):c.1070C>T (p.Ser357Phe)

Gene: AVPR2 (arginine vasopressin receptor 2; plus strand). Cytogenetic location: Xq28.
Variant type: single nucleotide variant.
Coding change: c.1070C>T on transcript NM_000054.7 (MANE Select); coding-DNA position 1070, C replaced by T.
Protein change: p.Ser357Phe; replaces serine 357 with phenylalanine.
Molecular consequence: missense variant. On other transcripts: 3 prime UTR variant (1), non-coding transcript variant (1).
Genome position (GRCh38, 1-based): chrX:153,906,682, C>T. VCF-style: chrX-153906682-C-T. GRCh37 (hg19) VCF-style: chrX-153172136-C-T.
Other names: c.*246C>T (NM_001146151.3); short protein forms S357F.
Identifiers: ClinVar variation 2547230 (VCV002547230.5), dbSNP rs782201621, ClinGen allele CA10555133.
Genomic context (GRCh38, chrX:153,906,682, plus strand): 5'-GAAGCTTGCTCTGCTGTGCCCGGGGACGCACCCCACCCAGCCTGGGTCCCCAAGATGAGT[C>T]CTGCACCACCGCCAGCTCCTCCCTGGCCAAGGACACTTCATCGTGAGGAGCTGTTGGGTG-3'
Protein context (NP_000045.1, residues 347-367): TPPSLGPQDE[Ser357Phe]CTTASSSLAK

ClinVar aggregate classification (germline): Conflicting classifications of pathogenicity. Review status: criteria provided, conflicting classifications (1 of 4 stars). 2 submissions from 2 submitters: Uncertain significance (1); Likely benign (1). Last evaluated 2025-06-12.

Conditions:
Inborn genetic diseases. Identifiers: MedGen C0950123, MeSH D030342.

Allele frequency attached by ClinVar (database versions not stated): ExAC 0.00005; gnomAD 0.00005; TOPMed 0.00006; gnomAD exomes below 0.00001.
gnomAD v4.1: 9 of 1,210,709 alleles (0.00074%); highest among the groups gnomAD compares: African/African-American, 0.016%; no homozygotes.

Submissions (2):

Labcorp Genetics (formerly Invitae), Labcorp
Classification: Uncertain significance. Last evaluated: 2025-06-12. Review status: criteria provided, single submitter. Criteria: Invitae Variant Classification Sherloc (09022015). Collection method: clinical testing. Allele origin: germline.
Comment: This sequence change replaces serine, which is neutral and polar, with phenylalanine, which is neutral and non-polar, at codon 357 of the AVPR2 protein (p.Ser357Phe). This variant is present in population databases (rs782201621, gnomAD 0.04%). This variant has not been reported in the literature in individuals affected with AVPR2-related conditions. ClinVar contains an entry for this variant (Variation ID: 2547230). Invitae Evidence Modeling of protein sequence and biophysical properties (such as structural, functional, and spatial information, amino acid conservation, physicochemical variation, residue mobility, and thermodynamic stability) has been performed for this missense variant. However, the output from this modeling did not meet the statistical confidence thresholds required to predict the impact of this variant on AVPR2 protein function. In summary, the available evidence is currently insufficient to determine the role of this variant in disease. Therefore, it has been classified as a Variant of Uncertain Significance.

Ambry Genetics
Classification: Likely benign for Inborn genetic diseases. Last evaluated: 2023-05-17. Review status: criteria provided, single submitter. Criteria: Ambry Variant Classification Scheme 2023. Collection method: clinical testing. Allele origin: germline.